The following is an entry in ClinVar:

NM_006206.6(PDGFRA):c.629-68dup

Gene: PDGFRA (platelet derived growth factor receptor alpha; plus strand). Cytogenetic location: 4q12.
Variant type: Duplication.
Coding change: c.629-68dup on transcript NM_006206.6 (MANE Select); 68 bases into the intron before coding-DNA position 629, one base duplicated (A; older notation c.629-68dupA).
Molecular consequence: intron variant.
Genome position (GRCh38, 1-based): chr4:54,264,851, A duplicated; the last of 17 consecutive A bases (chr4:54,264,835-54,264,851); duplicating any one gives the same sequence. VCF-style (leftmost placement, unchanged base first): chr4-54264834-T-TA. GRCh37 (hg19) VCF-style: chr4-55131001-T-TA.
Other names: c.704-68dup (NM_001347828.2); c.629-68dup (NM_001347827.2, NM_001347829.2); c.668-68dup (NM_001347830.2).
Identifiers: ClinVar variation 1678743 (VCV001678743.2), dbSNP rs61317836, ClinGen allele CA439285863.

ClinVar aggregate classification (germline): Likely benign (1 of 4 stars; one submission).

Submission:

GeneDx
Classification: Likely benign. Last evaluated: 2021-04-24. Review status: criteria provided, single submitter. Criteria: GeneDx Variant Classification Process June 2021. Collection method: clinical testing. Allele origin: germline. Affected: yes.
Comment: See Variant Classification Assertion Criteria.